The following is an entry in ClinVar:

ClinVar aggregate classification (germline): Uncertain significance (1 of 4 stars; one submission).

Conditions:
Muscular dystrophy-dystroglycanopathy (congenital with brain and eye anomalies), type a, 11 (MDDGA11). Also called: Muscular dystrophy-dystroglycanopathy (congenital with brain and eye anomalies, type A, 11; WALKER-WARBURG SYNDROME OR MUSCLE-EYE-BRAIN DISEASE, B3GALNT2-RELATED; Congenital muscular dystrophy-dystroglycanopathy with brain and eye anomalies, type A11. Identifiers: Orphanet 588, Orphanet 899, MedGen C3554638, MONDO:0014071, OMIM 615181.

Allele frequency attached by ClinVar (database versions not stated): gnomAD exomes below 0.00001.
gnomAD v4.1: 4 of 1,613,974 alleles (0.00025%); highest among the groups gnomAD compares: Non-Finnish European, 0.00034%; no homozygotes.

Submission:

Labcorp Genetics (formerly Invitae), Labcorp
Classification: Uncertain significance for Muscular dystrophy-dystroglycanopathy (congenital with brain and eye anomalies), type a, 11. Last evaluated: 2022-06-10. Review status: criteria provided, single submitter. Criteria: Invitae Variant Classification Sherloc (09022015). Collection method: clinical testing. Allele origin: germline.
Comment: In summary, the available evidence is currently insufficient to determine the role of this variant in disease. Therefore, it has been classified as a Variant of Uncertain Significance. Algorithms developed to predict the effect of missense changes on protein structure and function are either unavailable or do not agree on the potential impact of this missense change (SIFT: "Deleterious"; PolyPhen-2: "Probably Damaging"; Align-GVGD: "Class C0"). This variant has not been reported in the literature in individuals affected with B3GALNT2-related conditions. This variant is not present in population databases (gnomAD no frequency). This sequence change replaces tyrosine, which is neutral and polar, with cysteine, which is neutral and slightly polar, at codon 207 of the B3GALNT2 protein (p.Tyr207Cys).

NM_152490.5(B3GALNT2):c.620A>G (p.Tyr207Cys)

Gene: B3GALNT2 (beta-1,3-N-acetylgalactosaminyltransferase 2; minus strand). Cytogenetic location: 1q42.3.
Variant type: single nucleotide variant.
Coding change: c.620A>G on transcript NM_152490.5 (MANE Select); coding-DNA position 620, A replaced by G.
Protein change: p.Tyr207Cys; replaces tyrosine 207 with cysteine.
Molecular consequence: missense variant.
Genome position (GRCh38, 1-based): chr1:235,480,085, T>C on the plus strand (A>G on the coding strand, the complement: B3GALNT2 is on the minus strand). VCF-style: chr1-235480085-T-C. GRCh37 (hg19) VCF-style: chr1-235643401-T-C.
Other names: c.743A>G, p.Tyr248Cys (NM_001277155.3); short protein forms Y248C, Y207C.
Identifiers: ClinVar variation 2011286 (VCV002011286.3), dbSNP rs2527288063, ClinGen allele CA344922563.